The following is an entry in ClinVar:

NM_177438.3(DICER1):c.4061G>T (p.Cys1354Phe)

Gene: DICER1 (dicer 1, ribonuclease III; minus strand). Cytogenetic location: 14q32.13.
Variant type: single nucleotide variant.
Coding change: c.4061G>T on transcript NM_177438.3 (MANE Select); coding-DNA position 4061, G replaced by T.
Protein change: p.Cys1354Phe; replaces cysteine 1354 with phenylalanine.
Molecular consequence: missense variant. On other transcripts: non-coding transcript variant (6).
Genome position (GRCh38, 1-based): chr14:95,099,925, C>A on the plus strand (G>T on the coding strand, the complement: DICER1 is on the minus strand). VCF-style: chr14-95099925-C-A. GRCh37 (hg19) VCF-style: chr14-95566262-C-A.
Other names: c.4061G>T, p.Cys1354Phe (NM_001195573.1, NM_001271282.3, NM_001291628.2 and 13 more transcripts); c.3779G>T, p.Cys1260Phe (NM_001395686.1); c.3656G>T, p.Cys1219Phe (NM_001395687.1, NM_001395688.1, NM_001395689.1 and 2 more transcripts); c.3494G>T, p.Cys1165Phe (NM_001395691.1); c.2378G>T, p.Cys793Phe (NM_001395697.1); short protein forms C1165F, C1219F, C1260F, C1354F, C793F.
Identifiers: ClinVar variation 3229399 (VCV003229399.1), dbSNP rs1595353936, ClinGen allele CA390872307.

ClinVar aggregate classification (germline): Uncertain significance (1 of 4 stars; one submission).

Conditions:
Hereditary cancer-predisposing syndrome. Also called: Neoplastic Syndromes, Hereditary; Tumor predisposition; Hereditary neoplastic syndrome; Hereditary Cancer Syndrome. Identifiers: Orphanet 140162, MedGen C0027672, MeSH D009386, MONDO:0015356.

Submission:

Ambry Genetics
Classification: Uncertain significance for Hereditary cancer-predisposing syndrome. Last evaluated: 2023-12-08. Review status: criteria provided, single submitter. Criteria: Ambry Variant Classification Scheme 2023. Collection method: clinical testing. Allele origin: germline.
Comment: The p.C1354F variant (also known as c.4061G>T), located in coding exon 21 of the DICER1 gene, results from a G to T substitution at nucleotide position 4061. The cysteine at codon 1354 is replaced by phenylalanine, an amino acid with highly dissimilar properties. This amino acid position is conserved. In addition, this alteration is predicted to be deleterious by in silico analysis. Since supporting evidence is limited at this time, the clinical significance of this alteration remains unclear.